The following is an entry in ClinVar:

ClinVar aggregate classification (germline): Benign (1 of 4 stars; one submission).

gnomAD v4.1: 85,559 of 152,128 alleles (56%); highest among the groups gnomAD compares: Non-Finnish European, 64%; 24,645 homozygotes.

Submission:

CeGaT Center for Human Genetics Tuebingen
Classification: Benign. Last evaluated: 2025-06-01. Review status: criteria provided, single submitter. Criteria: CeGaT Center For Human Genetics Tuebingen Variant Classification Criteria Version 2. Collection method: clinical testing. Allele origin: germline. Affected: yes. Observed: 1 variant allele.
Comment: SDHB: BS1, BS2

NM_003000.3(SDHB):c.72+1808G>A

Gene: SDHB (succinate dehydrogenase complex iron sulfur subunit B; minus strand). Cytogenetic location: 1p36.13.
Variant type: single nucleotide variant.
Coding change: c.72+1808G>A on transcript NM_003000.3 (MANE Select); 1808 bases into the intron after coding-DNA position 72, G replaced by A.
Molecular consequence: intron variant.
Genome position (GRCh38, 1-based): chr1:17,052,140, C>T on the plus strand (G>A on the coding strand, the complement: SDHB is on the minus strand). VCF-style: chr1-17052140-C-T. GRCh37 (hg19) VCF-style: chr1-17378635-C-T.
Other names: c.72+1808G>A (NM_001407361.1).
Identifiers: ClinVar variation 3904851 (VCV003904851.10).
Genomic context (GRCh38, chr1:17,052,140, plus strand): 5'-CAGGTGATCCACCCACCTTGGCCTCCCAAAGTGCTGGAATTACAGGCATGAGCCACTGCA[C>T]CTGGCAAGATACACACTTTTAAGTAGGTAGTTCTTGTCCTAAAGGAGTTCATAGTCCAGA-3'